The following is an entry in ClinVar:

ClinVar aggregate classification (germline): Uncertain significance. Review status: criteria provided, multiple submitters, no conflicts (2 of 4 stars). 2 submissions from 2 submitters: Uncertain significance (2). Last evaluated 2024-01-01.

Conditions:
Hereditary cancer-predisposing syndrome. Also called: Neoplastic Syndromes, Hereditary; Hereditary Cancer Syndrome; Tumor predisposition; Hereditary neoplastic syndrome. Identifiers: Orphanet 140162, MedGen C0027672, MeSH D009386, MONDO:0015356.
Gorlin syndrome. Also called: Basal cell nevus syndrome; Nevoid Basal Cell Carcinoma Syndrome. Identifiers: Orphanet 377, MedGen C0004779, MONDO:0007187.

Allele frequency attached by ClinVar (database versions not stated): gnomAD exomes below 0.00001; gnomAD 0.00001; 1000 Genomes Project 30x 0.00016; 1000 Genomes Project 0.00020.
gnomAD v4.1: 5 of 1,614,236 alleles (0.00031%); highest among the groups gnomAD compares: South Asian, 0.0022%; no homozygotes.

Submissions (2):

Ambry Genetics
Classification: Uncertain significance for Hereditary cancer-predisposing syndrome. Last evaluated: 2024-01-01. Review status: criteria provided, single submitter. Criteria: Ambry Variant Classification Scheme 2023. Collection method: clinical testing. Allele origin: germline.
Comment: The p.E1421K variant (also known as c.4261G>A), located in coding exon 23 of the PTCH1 gene, results from a G to A substitution at nucleotide position 4261. The glutamic acid at codon 1421 is replaced by lysine, an amino acid with similar properties. This amino acid position is conserved. In addition, the in silico prediction for this alteration is inconclusive. Since supporting evidence is limited at this time, the clinical significance of this alteration remains unclear.

Labcorp Genetics (formerly Invitae), Labcorp
Classification: Uncertain significance for Gorlin syndrome. Last evaluated: 2023-10-10. Review status: criteria provided, single submitter. Criteria: Invitae Variant Classification Sherloc (09022015). Collection method: clinical testing. Allele origin: germline.
Comment: This sequence change replaces glutamic acid, which is acidic and polar, with lysine, which is basic and polar, at codon 1421 of the PTCH1 protein (p.Glu1421Lys). This variant is not present in population databases (gnomAD no frequency). This variant has not been reported in the literature in individuals affected with PTCH1-related conditions. ClinVar contains an entry for this variant (Variation ID: 1037432). Advanced modeling of protein sequence and biophysical properties (such as structural, functional, and spatial information, amino acid conservation, physicochemical variation, residue mobility, and thermodynamic stability) performed at Invitae indicates that this missense variant is not expected to disrupt PTCH1 protein function. In summary, the available evidence is currently insufficient to determine the role of this variant in disease. Therefore, it has been classified as a Variant of Uncertain Significance.

NM_000264.5(PTCH1):c.4261G>A (p.Glu1421Lys)

Gene: PTCH1 (patched 1; minus strand). Cytogenetic location: 9q22.32.
Variant type: single nucleotide variant.
Coding change: c.4261G>A on transcript NM_000264.5 (MANE Select); coding-DNA position 4261, G replaced by A.
Protein change: p.Glu1421Lys; replaces glutamic acid 1421 with lysine.
Molecular consequence: missense variant. On other transcripts: non-coding transcript variant (1).
Genome position (GRCh38, 1-based): chr9:95,446,995, C>T on the plus strand (G>A on the coding strand, the complement: PTCH1 is on the minus strand). VCF-style: chr9-95446995-C-T. GRCh37 (hg19) VCF-style: chr9-98209277-C-T.
Other names: c.4063G>A, p.Glu1355Lys (NM_001083602.3); c.4258G>A, p.Glu1420Lys (NM_001083603.3); c.3808G>A, p.Glu1270Lys (NM_001083604.3, NM_001083605.3, NM_001083606.3 and 1 more transcripts); c.4105G>A, p.Glu1369Lys (NM_001354918.2); c.4261G>A (NM_000264.3); short protein forms E1270K, E1355K, E1369K, E1421K, E1420K.
Identifiers: ClinVar variation 1037432 (VCV001037432.10), dbSNP rs575473447, ClinGen allele CA196557383.